The following is an entry in ClinVar:

NM_003242.6(TGFBR2):c.659T>C (p.Leu220Pro)

Gene: TGFBR2 (transforming growth factor beta receptor 2; plus strand). Cytogenetic location: 3p24.1.
Variant type: single nucleotide variant.
Coding change: c.659T>C on transcript NM_003242.6 (MANE Select); coding-DNA position 659, T replaced by C.
Protein change: p.Leu220Pro; replaces leucine 220 with proline.
Molecular consequence: missense variant.
Genome position (GRCh38, 1-based): chr3:30,671,842, T>C. VCF-style: chr3-30671842-T-C. GRCh37 (hg19) VCF-style: chr3-30713334-T-C.
Other names: c.734T>C, p.Leu245Pro (NM_001024847.3); c.842T>C, p.Leu281Pro (NM_001407126.1); c.767T>C, p.Leu256Pro (NM_001407127.1); c.686T>C, p.Leu229Pro (NM_001407128.1); c.662T>C, p.Leu221Pro (NM_001407129.1); c.659T>C, p.Leu220Pro (NM_001407130.1); c.554T>C, p.Leu185Pro (NM_001407132.1, NM_001407133.1, NM_001407134.1 and 2 more transcripts); c.374T>C, p.Leu125Pro (NM_001407137.1); and 1 more; short protein forms L220P, L245P, L281P, L185P, L221P, L125P, L256P, L100P.
Identifiers: ClinVar variation 477549 (VCV000477549.8), dbSNP rs1553630112, ClinGen allele CA351807588.

ClinVar aggregate classification (germline): Uncertain significance. Review status: criteria provided, multiple submitters, no conflicts (2 of 4 stars). 2 submissions from 2 submitters: Uncertain significance (2). Last evaluated 2020-01-07.

Conditions:
Familial thoracic aortic aneurysm and aortic dissection (TAAD). Also called: Thoracic aortic aneurysms and dissections. Identifiers: Orphanet 91387, MedGen C4707243, MONDO:0019625.

Submissions (2):

GeneDx
Classification: Uncertain significance. Last evaluated: 2020-01-07. Review status: criteria provided, single submitter. Criteria: GeneDx Variant Classification Process June 2021. Collection method: clinical testing. Allele origin: germline. Affected: yes.
Comment: Has not been previously published as pathogenic or benign to our knowledge; Reported in ClinVar as a variant of uncertain significance but additional evidence is not available (ClinVar Variant ID# 477549; Landrum et al., 2016); Not observed in large population cohorts (Lek et al., 2016); In silico analysis, which includes protein predictors and evolutionary conservation, supports that this variant does not alter protein structure/function

Labcorp Genetics (formerly Invitae), Labcorp
Classification: Uncertain significance for Familial thoracic aortic aneurysm and aortic dissection. Last evaluated: 2017-06-18. Review status: criteria provided, single submitter. Criteria: Invitae Variant Classification Sherloc (09022015). Collection method: clinical testing. Allele origin: germline.
Comment: In summary, this variant has uncertain impact on TGFBR2 function. The available evidence is currently insufficient to determine its role in disease. Therefore, it has been classified as a Variant of Uncertain Significance. Algorithms developed to predict the effect of missense changes on protein structure and function do not agree on the potential impact of this missense change (SIFT: "Deleterious"; PolyPhen-2: "Benign"; Align-GVGD: "Class C0"). This variant has not been reported in the literature in individuals with a TGFBR2-related disease. This variant is not present in population databases (ExAC no frequency). This sequence change replaces leucine with proline at codon 220 of the TGFBR2 protein (p.Leu220Pro). The leucine residue is moderately conserved and there is a moderate physicochemical difference between leucine and proline.